The following is an entry in ClinVar:

ClinVar aggregate classification (germline): Likely benign. Review status: criteria provided, multiple submitters, no conflicts (2 of 4 stars). 3 submissions from 3 submitters: Likely benign (3). Last evaluated 2026-07-05.

Conditions:
Hereditary cancer-predisposing syndrome. Also called: Hereditary Cancer Syndrome; Hereditary neoplastic syndrome; Neoplastic Syndromes, Hereditary; Tumor predisposition. Identifiers: Orphanet 140162, MedGen C0027672, MeSH D009386, MONDO:0015356.
Classic or attenuated familial adenomatous polyposis. Identifiers: MedGen CN372698, MONDO:0021057.

gnomAD v4.1: 2 of 1,614,114 alleles (0.00012%); highest among the groups gnomAD compares: Non-Finnish European, 0.00017%; no homozygotes.

Submissions (3):

Ambry Genetics
Classification: Likely benign for Hereditary cancer-predisposing syndrome. Last evaluated: 2026-07-05. Review status: criteria provided, single submitter. Criteria: Ambry Variant Classification Scheme 2023. Collection method: clinical testing. Allele origin: germline.

All of Us Research Program, National Institutes of Health
Classification: Likely benign for Classic or attenuated familial adenomatous polyposis. Last evaluated: 2023-05-16. Review status: criteria provided, single submitter. Criteria: ACMG Guidelines, 2015. Collection method: clinical testing. Allele origin: germline. Inheritance: Autosomal dominant inheritance. Observed: 1 variant allele, 1 heterozygote.
Comment: This study involves interpretation of variants in research participants for the purpose of population health screening. Participant phenotype was not available at the time of variant classification. Additional details can be found in publication PMID: 35346344, PMCID: PMC8962531

Color Diagnostics, LLC DBA Color Health
Classification: Likely benign for Hereditary cancer-predisposing syndrome. Last evaluated: 2023-05-10. Review status: criteria provided, single submitter. Criteria: ACMG Guidelines, 2015. Collection method: clinical testing. Allele origin: germline.

NM_000038.6(APC):c.5010T>G (p.Ala1670=)

Gene: APC (APC regulator of Wnt signaling pathway; plus strand). Cytogenetic location: 5q22.2.
Variant type: single nucleotide variant.
Coding change: c.5010T>G on transcript NM_000038.6 (MANE Select); coding-DNA position 5010, T replaced by G.
Protein change: p.Ala1670=; no amino-acid change (alanine 1670 retained).
Molecular consequence: synonymous variant. On other transcripts: non-coding transcript variant (2).
Genome position (GRCh38, 1-based): chr5:112,840,604, T>G. VCF-style: chr5-112840604-T-G. GRCh37 (hg19) VCF-style: chr5-112176301-T-G.
Other names: c.4707T>G, p.Ala1569= (NM_001407459.1, NM_001407460.1, NM_001354903.2 and 1 more transcripts); c.4623T>G, p.Ala1541= (NM_001407467.1, NM_001407469.1); c.4161T>G, p.Ala1387= (NM_001407470.1, NM_001354906.2); c.3858T>G, p.Ala1286= (NM_001407471.1, NM_001407472.1); c.4833T>G, p.Ala1611= (NM_001354901.2, NM_001407453.1); c.4737T>G, p.Ala1579= (NM_001354902.2); c.4632T>G, p.Ala1544= (NM_001354904.2); c.4530T>G, p.Ala1510= (NM_001354905.2); and 12 more.
Identifiers: ClinVar variation 2775113 (VCV002775113.4), dbSNP rs1765826793, ClinGen allele CA446208757.